The following is an entry in ClinVar:

NM_006208.3(ENPP1):c.1025G>T (p.Gly342Val)

Gene: ENPP1 (ectonucleotide pyrophosphatase/phosphodiesterase 1; plus strand). Cytogenetic location: 6q23.2.
Variant type: single nucleotide variant.
Coding change: c.1025G>T on transcript NM_006208.3 (MANE Select); coding-DNA position 1025, G replaced by T.
Protein change: p.Gly342Val; replaces glycine 342 with valine.
Molecular consequence: missense variant.
Genome position (GRCh38, 1-based): chr6:131,861,704, G>T. VCF-style: chr6-131861704-G-T. GRCh37 (hg19) VCF-style: chr6-132182844-G-T.
Other names: short protein forms G342V.
Identifiers: ClinVar variation 13591 (VCV000013591.7), dbSNP rs121918025, ClinGen allele CA256906.

ClinVar aggregate classification (germline): Pathogenic/Likely pathogenic. Review status: criteria provided, multiple submitters, no conflicts (2 of 4 stars). 3 submissions from 3 submitters: Pathogenic (1); Likely pathogenic (1). 1 of the submissions does not count toward it. Last evaluated 2021-10-04.

Conditions:
Coronary sclerosis, medial, of infancy. Identifiers: MedGen C1859728.
Arterial calcification, generalized, of infancy, 1 (GACI1). Also called: Idiopathic Infantile Arterial Calcification. Identifiers: Orphanet 51608, MedGen C4551985, MONDO:0008817, OMIM 208000.

Allele frequency attached by ClinVar (database versions not stated): gnomAD exomes below 0.00001; TOPMed below 0.00001.
gnomAD v4.1: 1 of 1,528,978 alleles (0.000065%); highest among the groups gnomAD compares: Non-Finnish European, 0.000091%; no homozygotes.

Submissions (3):

Labcorp Genetics (formerly Invitae), Labcorp
Classification: Likely pathogenic. Last evaluated: 2021-10-04. Review status: criteria provided, single submitter. Criteria: Invitae Variant Classification Sherloc (09022015). Collection method: clinical testing. Allele origin: germline.
Comment: In summary, the currently available evidence indicates that the variant is pathogenic, but additional data are needed to prove that conclusively. Therefore, this variant has been classified as Likely Pathogenic. Variants that disrupt the consensus splice site are a relatively common cause of aberrant splicing (PMID: 17576681, 9536098). Algorithms developed to predict the effect of sequence changes on RNA splicing suggest that this variant may disrupt the consensus splice site. Algorithms developed to predict the effect of missense changes on protein structure and function output the following: SIFT: "Tolerated"; PolyPhen-2: "Benign"; Align-GVGD: "Class C0". The valine amino acid residue is found in multiple mammalian species, which suggests that this missense change does not adversely affect protein function. ClinVar contains an entry for this variant (Variation ID: 13591). This missense change has been observed in individual(s) with autosomal recessive generalized arterial calcification of infancy (PMID: 15940697). In at least one individual the data is consistent with the variant being in trans (on the opposite chromosome) from a pathogenic variant. It has also been observed to segregate with disease in related individuals. This variant is not present in population databases (ExAC no frequency). This sequence change replaces glycine with valine at codon 342 of the ENPP1 protein (p.Gly342Val). The glycine residue is moderately conserved and there is a moderate physicochemical difference between glycine and valine. This variant also falls at the last nucleotide of exon 9, which is part of the consensus splice site for this exon.

Rady Children's Institute for Genomic Medicine, Rady Children's Hospital San Diego
Classification: Pathogenic for CORONARY SCLEROSIS, MEDIAL, OF INFANCY. Last evaluated: 2018-07-17. Review status: criteria provided, single submitter. Criteria: ACMG Guidelines, 2015. Collection method: clinical testing. Allele origin: germline. Affected: yes. Observed: 1 variant allele.
Comment: This missense variant is also predicted to affect the canonical splice donor site of intron 9 of 25 by multiple splice prediction tools, and is therefore predicted to interfere with splicing and result in loss of normal protein function. This variant has been previously reported as a compound heterozygous change in patients with generalized arterial calcification of infancy (PMID: 15605415, 15940697). It is absent from the ExAC and gnomAD population databases and thus is presumed to be rare. Based on the available evidence, the c.1025G>T, p.Gly342Val variant is classified as Pathogenic.

OMIM
Classification: Pathogenic for ARTERIAL CALCIFICATION, GENERALIZED, OF INFANCY, 1. Last evaluated: 2005-07-15. Review status: no assertion criteria provided. Collection method: literature only. Allele origin: germline. Not counted in ClinVar's aggregate classification.

Literature cited by the submitters: PubMed 17576681 (cited by Labcorp Genetics (formerly Invitae), Labcorp); PubMed 9536098 (cited by Labcorp Genetics (formerly Invitae), Labcorp); PubMed 15940697 (cited by Labcorp Genetics (formerly Invitae), Labcorp and OMIM).